The following is an entry in ClinVar:

NM_001291303.3(FAT4):c.14105G>A (p.Arg4702Gln)

Gene: FAT4 (FAT atypical cadherin 4; plus strand). Cytogenetic location: 4q28.1.
Variant type: single nucleotide variant.
Coding change: c.14105G>A on transcript NM_001291303.3 (MANE Select); coding-DNA position 14105, G replaced by A.
Protein change: p.Arg4702Gln; replaces arginine 4702 with glutamine.
Molecular consequence: missense variant.
Genome position (GRCh38, 1-based): chr4:125,490,921, G>A. VCF-style: chr4-125490921-G-A. GRCh37 (hg19) VCF-style: chr4-126412076-G-A.
Other names: c.14102G>A, p.Arg4701Gln (NM_001291285.3); c.14099G>A, p.Arg4700Gln (NM_024582.6); short protein forms R4702Q, R4700Q, R4701Q.
Identifiers: ClinVar variation 1042054 (VCV001042054.3), dbSNP rs765222973, ClinGen allele CA3074503.

ClinVar aggregate classification (germline): Uncertain significance (1 of 4 stars; one submission).

Allele frequency attached by ClinVar (database versions not stated): ExAC 0.00001; gnomAD exomes 0.00001; TOPMed 0.00001.

Submission:

Labcorp Genetics (formerly Invitae), Labcorp
Classification: Uncertain significance. Last evaluated: 2023-08-04. Review status: criteria provided, single submitter. Criteria: Invitae Variant Classification Sherloc (09022015). Collection method: clinical testing. Allele origin: germline.
Comment: In summary, the available evidence is currently insufficient to determine the role of this variant in disease. Therefore, it has been classified as a Variant of Uncertain Significance. Advanced modeling of protein sequence and biophysical properties (such as structural, functional, and spatial information, amino acid conservation, physicochemical variation, residue mobility, and thermodynamic stability) performed at Invitae indicates that this missense variant is not expected to disrupt FAT4 protein function. ClinVar contains an entry for this variant (Variation ID: 1042054). This variant has not been reported in the literature in individuals affected with FAT4-related conditions. This variant is present in population databases (rs765222973, gnomAD 0.002%). This sequence change replaces arginine, which is basic and polar, with glutamine, which is neutral and polar, at codon 4700 of the FAT4 protein (p.Arg4700Gln).